The following is an entry in ClinVar:

ClinVar aggregate classification (germline): Uncertain significance. Review status: criteria provided, multiple submitters, no conflicts (2 of 4 stars). 3 submissions from 3 submitters: Uncertain significance (3). Last evaluated 2025-08-20.

Conditions:
Inborn genetic diseases. Identifiers: MedGen C0950123, MeSH D030342.

Allele frequency attached by ClinVar (database versions not stated): gnomAD exomes 0.00001 and 0.00002; ExAC 0.00002; gnomAD 0.00002; TOPMed 0.00002.
gnomAD v4.1: 23 of 1,613,598 alleles (0.0014%); highest among the groups gnomAD compares: Middle Eastern, 0.016%; no homozygotes.

Submissions (3):

Labcorp Genetics (formerly Invitae), Labcorp
Classification: Uncertain significance. Last evaluated: 2025-08-20. Review status: criteria provided, single submitter. Criteria: Invitae Variant Classification Sherloc (09022015). Collection method: clinical testing. Allele origin: germline.
Comment: This sequence change replaces phenylalanine, which is neutral and non-polar, with isoleucine, which is neutral and non-polar, at codon 956 of the SAMD9 protein (p.Phe956Ile). This variant is present in population databases (rs201250385, gnomAD 0.005%). This variant has not been reported in the literature in individuals affected with SAMD9-related conditions. ClinVar contains an entry for this variant (Variation ID: 1055618). Invitae Evidence Modeling of protein sequence and biophysical properties (such as structural, functional, and spatial information, amino acid conservation, physicochemical variation, residue mobility, and thermodynamic stability) indicates that this missense variant is not expected to disrupt SAMD9 protein function with a negative predictive value of 95%. In summary, the available evidence is currently insufficient to determine the role of this variant in disease. Therefore, it has been classified as a Variant of Uncertain Significance.

Ambry Genetics
Classification: Uncertain significance for Inborn genetic diseases. Last evaluated: 2025-07-01. Review status: criteria provided, single submitter. Criteria: Ambry Variant Classification Scheme 2023. Collection method: clinical testing. Allele origin: germline.

GeneDx
Classification: Uncertain significance. Last evaluated: 2023-11-13. Review status: criteria provided, single submitter. Criteria: GeneDx Variant Classification Process June 2021. Collection method: clinical testing. Allele origin: germline.
Comment: In silico analysis supports that this missense variant does not alter protein structure/function; Has not been previously published as pathogenic or benign to our knowledge; This variant is associated with the following publications: (PMID: 28545555)

NM_017654.4(SAMD9):c.2866T>A (p.Phe956Ile)

Gene: SAMD9 (sterile alpha motif domain containing 9; minus strand). Cytogenetic location: 7q21.2.
Variant type: single nucleotide variant.
Coding change: c.2866T>A on transcript NM_017654.4 (MANE Select); coding-DNA position 2866, T replaced by A.
Protein change: p.Phe956Ile; replaces phenylalanine 956 with isoleucine.
Molecular consequence: missense variant.
Genome position (GRCh38, 1-based): chr7:93,103,232, A>T on the plus strand (T>A on the coding strand, the complement: SAMD9 is on the minus strand). VCF-style: chr7-93103232-A-T. GRCh37 (hg19) VCF-style: chr7-92732545-A-T.
Other names: c.2866T>A (NM_017654.3); c.2866T>A, p.Phe956Ile (NM_001193307.2); short protein forms F956I.
Identifiers: ClinVar variation 1055618 (VCV001055618.12), dbSNP rs201250385, ClinGen allele CA4342775.